The following is an entry in ClinVar:

ClinVar aggregate classification (germline): Uncertain significance (1 of 4 stars; one submission).

Allele frequency attached by ClinVar (database versions not stated): gnomAD exomes below 0.00001.
gnomAD v4.1: 1 of 1,613,974 alleles (0.000062%); highest among the groups gnomAD compares: Non-Finnish European, 0.000085%; no homozygotes.

Submission:

Labcorp Genetics (formerly Invitae), Labcorp
Classification: Uncertain significance. Last evaluated: 2022-07-06. Review status: criteria provided, single submitter. Criteria: Invitae Variant Classification Sherloc (09022015). Collection method: clinical testing. Allele origin: germline.
Comment: In summary, the available evidence is currently insufficient to determine the role of this variant in disease. Therefore, it has been classified as a Variant of Uncertain Significance. Advanced modeling of protein sequence and biophysical properties (such as structural, functional, and spatial information, amino acid conservation, physicochemical variation, residue mobility, and thermodynamic stability) performed at Invitae indicates that this missense variant is not expected to disrupt SLC26A3 protein function. ClinVar contains an entry for this variant (Variation ID: 1519380). This variant has not been reported in the literature in individuals affected with SLC26A3-related conditions. This variant is not present in population databases (gnomAD no frequency). This sequence change replaces valine, which is neutral and non-polar, with leucine, which is neutral and non-polar, at codon 201 of the SLC26A3 protein (p.Val201Leu).

NM_000111.3(SLC26A3):c.601G>T (p.Val201Leu)

Gene: SLC26A3 (solute carrier family 26 member 3; minus strand). Cytogenetic location: 7q22.3.
Variant type: single nucleotide variant.
Coding change: c.601G>T on transcript NM_000111.3 (MANE Select); coding-DNA position 601, G replaced by T.
Protein change: p.Val201Leu; replaces valine 201 with leucine.
Molecular consequence: missense variant.
Genome position (GRCh38, 1-based): chr7:107,789,658, C>A on the plus strand (G>T on the coding strand, the complement: SLC26A3 is on the minus strand). VCF-style: chr7-107789658-C-A. GRCh37 (hg19) VCF-style: chr7-107430103-C-A.
Other names: short protein forms V201L.
Identifiers: ClinVar variation 1519380 (VCV001519380.8), dbSNP rs768701230, ClinGen allele CA164251229.